The following is an entry in ClinVar:

NM_001329943.3(KIAA0586):c.3631A>C (p.Lys1211Gln)

Gene: KIAA0586 (KIAA0586; plus strand). Cytogenetic location: 14q23.1.
Variant type: single nucleotide variant.
Coding change: c.3631A>C on transcript NM_001329943.3 (MANE Select); coding-DNA position 3631, A replaced by C.
Protein change: p.Lys1211Gln; replaces lysine 1211 with glutamine.
Molecular consequence: missense variant.
Genome position (GRCh38, 1-based): chr14:58,488,724, A>C. VCF-style: chr14-58488724-A-C. GRCh37 (hg19) VCF-style: chr14-58955442-A-C.
Other names: c.3790A>C, p.Lys1264Gln (NM_001244189.2); c.3586A>C, p.Lys1196Gln (NM_001244190.2); c.3376A>C, p.Lys1126Gln (NM_001244191.2, NM_001329945.2, NM_001364700.1 and 1 more transcripts); c.3499A>C, p.Lys1167Gln (NM_001244192.2); c.3211A>C, p.Lys1071Gln (NM_001244193.2); c.3631A>C, p.Lys1211Gln (NM_001329944.2, NM_001329946.2, NM_001329947.2); c.3403A>C, p.Lys1135Gln (NM_014749.5); c.3403A>C (NM_014749.3); short protein forms K1071Q, K1167Q, K1264Q, K1126Q, K1135Q, K1196Q, K1211Q.
Identifiers: ClinVar variation 1439689 (VCV001439689.7), dbSNP rs754567597, ClinGen allele CA7206217.
Genomic context (GRCh38, chr14:58,488,724, plus strand): 5'-TTCCCTGCTCAGCCTCCACCTCCAGAGCCAGTTCCCTTTATGCCATTTCCTGCCGGCACC[A>C]AGGCCCCTTCCCCCTCACAGATGCCAGGTTCTGATTCATCAACACTGGAGAGCACATTGA-3'
Protein context (NP_001316872.1, residues 1201-1221): VPFMPFPAGT[Lys1211Gln]APSPSQMPGS

ClinVar aggregate classification (germline): Uncertain significance. Review status: criteria provided, multiple submitters, no conflicts (2 of 4 stars). 2 submissions from 2 submitters: Uncertain significance (2). Last evaluated 2024-04-01.

Conditions:
Inborn genetic diseases. Identifiers: MedGen C0950123, MeSH D030342.
Short-rib thoracic dysplasia 14 with polydactyly (SRTD14). Identifiers: Orphanet 397715, MedGen C4225286, MONDO:0014688, OMIM 616546.
Joubert syndrome 23 (JBTS23). Identifiers: Orphanet 475, MedGen C4084822, MONDO:0014664, OMIM 616490.

Allele frequency attached by ClinVar (database versions not stated): gnomAD exomes below 0.00001; TOPMed below 0.00001; ExAC 0.00001.
gnomAD v4.1: 5 of 1,613,846 alleles (0.00031%); highest among the groups gnomAD compares: Non-Finnish European, 0.00042%; no homozygotes.

Submissions (2):

Ambry Genetics
Classification: Uncertain significance for Inborn genetic diseases. Last evaluated: 2024-04-01. Review status: criteria provided, single submitter. Criteria: Ambry Variant Classification Scheme 2023. Collection method: clinical testing. Allele origin: germline.

Labcorp Genetics (formerly Invitae), Labcorp
Classification: Uncertain significance for Joubert syndrome 23; Short-rib thoracic dysplasia 14 with polydactyly. Last evaluated: 2021-07-28. Review status: criteria provided, single submitter. Criteria: Invitae Variant Classification Sherloc (09022015). Collection method: clinical testing. Allele origin: germline.
Comment: Algorithms developed to predict the effect of missense changes on protein structure and function (SIFT, PolyPhen-2, Align-GVGD) all suggest that this variant is likely to be tolerated. This variant has not been reported in the literature in individuals affected with KIAA0586-related conditions. This variant is present in population databases (rs754567597, ExAC 0.006%). This sequence change replaces lysine with glutamine at codon 1264 of the KIAA0586 protein (p.Lys1264Gln). The lysine residue is moderately conserved and there is a small physicochemical difference between lysine and glutamine. Algorithms developed to predict the effect of sequence changes on RNA splicing suggest that this variant may create or strengthen a splice site. In summary, the available evidence is currently insufficient to determine the role of this variant in disease. Therefore, it has been classified as a Variant of Uncertain Significance.